The following is an entry in ClinVar:

NM_020549.5(CHAT):c.26G>A (p.Arg9Lys)

Gene: CHAT (choline O-acetyltransferase; plus strand). Cytogenetic location: 10q11.23.
Variant type: single nucleotide variant.
Coding change: c.26G>A on transcript NM_020549.5 (MANE Select); coding-DNA position 26, G replaced by A.
Protein change: p.Arg9Lys; replaces arginine 9 with lysine.
Molecular consequence: missense variant. On other transcripts: 5 prime UTR variant (3), intron variant (3).
Genome position (GRCh38, 1-based): chr10:49,614,215, G>A. VCF-style: chr10-49614215-G-A. GRCh37 (hg19) VCF-style: chr10-50822261-G-A.
Other names: c.-329G>A (NM_001142929.2); c.-291G>A (NM_001142933.2); c.-399G>A (NM_001142934.2); c.-68-2287G>A (NM_020984.4); c.-240-89G>A (NM_020985.4); c.-69+1013G>A (NM_020986.4); short protein forms R9K.
Identifiers: ClinVar variation 1046326 (VCV001046326.7), dbSNP rs1056302745, ClinGen allele CA206622795.
Genomic context (GRCh38, chr10:49,614,215, plus strand): 5'-GAGCTGAGATCCCTGGGCGGGGAGCTGGGGAAGGGATGGGGCTGAGGACAGCGAAGAAGA[G>A]GGGGCTTGGGGGAGGGGGGAAATGGAAGAGAGAGGAGGGAGGAGGTACAAGAGGAAGGAG-3'
Protein context (NP_065574.4, residues 1-19): MGLRTAKK[Arg9Lys]GLGGGGKWKR

ClinVar aggregate classification (germline): Uncertain significance (1 of 4 stars; one submission).

Conditions:
Familial infantile myasthenia (CMS6). Also called: MYASTHENIC SYNDROME, PRESYNAPTIC, CONGENITAL, ASSOCIATED WITH EPISODIC APNEA; Congenital myasthenic syndrome type 6; MYASTHENIC SYNDROME, CONGENITAL, 6, PRESYNAPTIC. Identifiers: Orphanet 590, MedGen C0393929, MONDO:0009689, OMIM 254210.

Allele frequency attached by ClinVar (database versions not stated): gnomAD 0.00003; gnomAD exomes 0.00003.
gnomAD v4.1: 33 of 1,528,938 alleles (0.0022%); highest among the groups gnomAD compares: Middle Eastern, 0.022%; no homozygotes.

Submission:

Labcorp Genetics (formerly Invitae), Labcorp
Classification: Uncertain significance for Familial infantile myasthenia. Last evaluated: 2022-10-07. Review status: criteria provided, single submitter. Criteria: Invitae Variant Classification Sherloc (09022015). Collection method: clinical testing. Allele origin: germline.
Comment: This sequence change replaces arginine, which is basic and polar, with lysine, which is basic and polar, at codon 9 of the CHAT protein (p.Arg9Lys). This variant is present in population databases (no rsID available, gnomAD 0.008%). This variant has not been reported in the literature in individuals affected with CHAT-related conditions. ClinVar contains an entry for this variant (Variation ID: 1046326). Advanced modeling of protein sequence and biophysical properties (such as structural, functional, and spatial information, amino acid conservation, physicochemical variation, residue mobility, and thermodynamic stability) performed at Invitae indicates that this missense variant is not expected to disrupt CHAT protein function. In summary, the available evidence is currently insufficient to determine the role of this variant in disease. Therefore, it has been classified as a Variant of Uncertain Significance.